The following is an entry in ClinVar:

NM_001365951.3(KIF1B):c.4390A>G (p.Ile1464Val)

Gene: KIF1B (kinesin family member 1B; plus strand). Cytogenetic location: 1p36.22.
Variant type: single nucleotide variant.
Coding change: c.4390A>G on transcript NM_001365951.3 (MANE Select); coding-DNA position 4390, A replaced by G.
Protein change: p.Ile1464Val; replaces isoleucine 1464 with valine.
Molecular consequence: missense variant.
Genome position (GRCh38, 1-based): chr1:10,365,123, A>G. VCF-style: chr1-10365123-A-G. GRCh37 (hg19) VCF-style: chr1-10425181-A-G.
Other names: c.4390A>G, p.Ile1464Val (NM_001365952.1); c.4252A>G, p.Ile1418Val (NM_015074.3); short protein forms I1418V, I1464V.
Identifiers: ClinVar variation 1715735 (VCV001715735.5), dbSNP rs768282653, ClinGen allele CA582073.

ClinVar aggregate classification (germline): Uncertain significance (1 of 4 stars; one submission).

Conditions:
Charcot-Marie-Tooth disease type 2. Also called: Charcot-Marie-Tooth type 2. Identifiers: Orphanet 64746, MedGen C0270914, MONDO:0018993.

Allele frequency attached by ClinVar (database versions not stated): gnomAD exomes below 0.00001; ExAC 0.00001.
gnomAD v4.1: 1 of 1,614,076 alleles (0.000062%); highest among the groups gnomAD compares: Admixed American, 0.0017%; no homozygotes.

Submission:

Labcorp Genetics (formerly Invitae), Labcorp
Classification: Uncertain significance for Charcot-Marie-Tooth disease type 2. Last evaluated: 2022-08-08. Review status: criteria provided, single submitter. Criteria: Invitae Variant Classification Sherloc (09022015). Collection method: clinical testing. Allele origin: germline.
Comment: In summary, the available evidence is currently insufficient to determine the role of this variant in disease. Therefore, it has been classified as a Variant of Uncertain Significance. Algorithms developed to predict the effect of missense changes on protein structure and function output the following: SIFT: "Tolerated"; PolyPhen-2: "Benign"; Align-GVGD: "Class C0". The valine amino acid residue is found in multiple mammalian species, which suggests that this missense change does not adversely affect protein function. This variant has not been reported in the literature in individuals affected with KIF1B-related conditions. This variant is present in population databases (rs768282653, gnomAD 0.003%). This sequence change replaces isoleucine, which is neutral and non-polar, with valine, which is neutral and non-polar, at codon 1418 of the KIF1B protein (p.Ile1418Val).